The following is an entry in ClinVar:

ClinVar aggregate classification (germline): Uncertain significance. Review status: criteria provided, multiple submitters, no conflicts (2 of 4 stars). 3 submissions from 3 submitters: Uncertain significance (3). Last evaluated 2025-03-30.

Conditions:
Inborn genetic diseases. Identifiers: MedGen C0950123, MeSH D030342.
Anterior segment dysgenesis 7 (ASGD7). Also called: Anterior segment dysgenesis 7, with sclerocornea; SCLEROCORNEA WITH OTHER OCULAR ANOMALIES. Identifiers: Orphanet 289499, MedGen C3151617, MONDO:0010015, OMIM 269400.

Allele frequency attached by ClinVar (database versions not stated): TOPMed 0.00004.
gnomAD v4.1: 222 of 1,613,344 alleles (0.014%); highest among the groups gnomAD compares: Non-Finnish European, 0.017%; no homozygotes.

Submissions (3):

Ambry Genetics
Classification: Uncertain significance for Inborn genetic diseases. Last evaluated: 2025-03-30. Review status: criteria provided, single submitter. Criteria: Ambry Variant Classification Scheme 2023. Collection method: clinical testing. Allele origin: germline.

CeGaT Center for Human Genetics Tuebingen
Classification: Uncertain significance. Last evaluated: 2025-01-01. Review status: criteria provided, single submitter. Criteria: CeGaT Center For Human Genetics Tuebingen Variant Classification Criteria Version 2. Collection method: clinical testing. Allele origin: germline. Affected: yes. Observed: 1 variant allele.
Comment: PXDN: PM2

Labcorp Genetics (formerly Invitae), Labcorp
Classification: Uncertain significance for Anterior segment dysgenesis 7. Last evaluated: 2019-09-18. Review status: criteria provided, single submitter. Criteria: Invitae Variant Classification Sherloc (09022015). Collection method: clinical testing. Allele origin: germline.
Comment: This variant is present in population databases (rs367602205, ExAC 0.008%). This sequence change replaces glutamic acid with lysine at codon 1317 of the PXDN protein (p.Glu1317Lys). The glutamic acid residue is highly conserved and there is a small physicochemical difference between glutamic acid and lysine. This variant has not been reported in the literature in individuals with PXDN-related conditions. Algorithms developed to predict the effect of missense changes on protein structure and function (SIFT, PolyPhen-2, Align-GVGD) all suggest that this variant is likely to be tolerated, but these predictions have not been confirmed by published functional studies and their clinical significance is uncertain. In summary, the available evidence is currently insufficient to determine the role of this variant in disease. Therefore, it has been classified as a Variant of Uncertain Significance.

NM_012293.3(PXDN):c.3949G>A (p.Glu1317Lys)

Gene: PXDN (peroxidasin; minus strand). Cytogenetic location: 2p25.3.
Variant type: single nucleotide variant.
Coding change: c.3949G>A on transcript NM_012293.3 (MANE Select); coding-DNA position 3949, G replaced by A.
Protein change: p.Glu1317Lys; replaces glutamic acid 1317 with lysine.
Molecular consequence: missense variant.
Genome position (GRCh38, 1-based): chr2:1,643,371, C>T on the plus strand (G>A on the coding strand, the complement: PXDN is on the minus strand). VCF-style: chr2-1643371-C-T. GRCh37 (hg19) VCF-style: chr2-1647143-C-T.
Other names: c.3949G>A (NM_012293.1); short protein forms E1317K.
Identifiers: ClinVar variation 940832 (VCV000940832.22), dbSNP rs367602205, ClinGen allele CA1512576.
Genomic context (GRCh38, chr2:1,643,371, plus strand): 5'-AGCAGTCACCAAAACCAGGGATGAAAAAGGAACAGACATGGTGCCCCTGGCACGCACCTT[C>T]ACAGCAGTCCTGCCACACCCGGAGGTCTACCCTGGGGATCTCGTCACAGCTGCCGTAGCC-3'
Protein context (NP_036425.1, residues 1307-1327): VDLRVWQDCC[Glu1317Lys]DCRTRGQFNA